The following is an entry in ClinVar:

ClinVar aggregate classification (germline): Uncertain significance (1 of 4 stars; one submission).

Conditions:
Fanconi anemia (FA). Also called: Fanconi's anemia. Identifiers: Orphanet 84, MedGen C0015625, MeSH D005199, MONDO:0019391.

gnomAD v4.1: 8 of 1,614,214 alleles (0.0005%); highest among the groups gnomAD compares: Non-Finnish European, 0.00068%; no homozygotes.

Submission:

Labcorp Genetics (formerly Invitae), Labcorp
Classification: Uncertain significance for Fanconi anemia. Last evaluated: 2021-02-11. Review status: criteria provided, single submitter. Criteria: Invitae Variant Classification Sherloc (09022015). Collection method: clinical testing. Allele origin: germline.
Comment: In summary, the available evidence is currently insufficient to determine the role of this variant in disease. Therefore, it has been classified as a Variant of Uncertain Significance. Algorithms developed to predict the effect of missense changes on protein structure and function are either unavailable or do not agree on the potential impact of this missense change (SIFT: "Tolerated"; PolyPhen-2: "Probably Damaging"; Align-GVGD: "Class C0"). This variant has not been reported in the literature in individuals with SLX4-related conditions. This variant is not present in population databases (ExAC no frequency). This sequence change replaces glutamine with arginine at codon 211 of the SLX4 protein (p.Gln211Arg). The glutamine residue is weakly conserved and there is a small physicochemical difference between glutamine and arginine.

NM_032444.4(SLX4):c.632A>G (p.Gln211Arg)

Gene: SLX4 (SLX4 structure-specific endonuclease subunit; minus strand). Cytogenetic location: 16p13.3.
Variant type: single nucleotide variant.
Coding change: c.632A>G on transcript NM_032444.4 (MANE Select); coding-DNA position 632, A replaced by G.
Protein change: p.Gln211Arg; replaces glutamine 211 with arginine.
Molecular consequence: missense variant.
Genome position (GRCh38, 1-based): chr16:3,606,602, T>C on the plus strand (A>G on the coding strand, the complement: SLX4 is on the minus strand). VCF-style: chr16-3606602-T-C. GRCh37 (hg19) VCF-style: chr16-3656603-T-C.
Other names: short protein forms Q211R.
Identifiers: ClinVar variation 1494295 (VCV001494295.6), dbSNP rs2151137938, ClinGen allele CA394533357.
Genomic context (GRCh38, chr16:3,606,602, plus strand): 5'-CACTCTTCTGAAGCGTGTCTCAAACGCTCGGGGTCTGCTCTCTTGAACTGCTGCATTCGC[T>C]GTAGGACCAATTGTGCTGTGCGGGGTTTGGAGGGACTTGGCACTGCTGTTGTCAAACAGG-3'
Protein context (NP_115820.2, residues 201-221): SKPRTAQLVL[Gln211Arg]RMQQFKRADP